The following is an entry in ClinVar:

NM_024301.5(FKRP):c.206C>T (p.Ser69Phe)

Gene: FKRP (fukutin related protein; plus strand). Cytogenetic location: 19q13.32.
Variant type: single nucleotide variant.
Coding change: c.206C>T on transcript NM_024301.5 (MANE Select); coding-DNA position 206, C replaced by T.
Protein change: p.Ser69Phe; replaces serine 69 with phenylalanine.
Molecular consequence: missense variant.
Genome position (GRCh38, 1-based): chr19:46,755,656, C>T. VCF-style: chr19-46755656-C-T. GRCh37 (hg19) VCF-style: chr19-47258913-C-T.
Other names: c.206C>T, p.Ser69Phe (NM_001039885.3); short protein forms S69F.
Identifiers: ClinVar variation 528820 (VCV000528820.14), dbSNP rs1555738197, ClinGen allele CA406494872.

ClinVar aggregate classification (germline): Uncertain significance. Review status: criteria provided, multiple submitters, no conflicts (2 of 4 stars). 3 submissions from 3 submitters: Uncertain significance (3). Last evaluated 2019-05-24.

Conditions:
Walker-Warburg congenital muscular dystrophy. Also called: Muscular dystrophy-dystroglycanopathy, type A; Walker-Warburg syndrome. Identifiers: Orphanet 899, MedGen C0265221, MONDO:0000171.

Submissions (3):

GeneDx
Classification: Uncertain significance. Last evaluated: 2019-05-24. Review status: criteria provided, single submitter. Criteria: GeneDx Variant Classification Process June 2021. Collection method: clinical testing. Allele origin: germline. Affected: yes.
Comment: Not observed in large population cohorts (Lek et al., 2016); The majority of missense variants in this gene are considered pathogenic (Stenson et al., 2014); In silico analysis, which includes protein predictors and evolutionary conservation, supports a deleterious effect

Labcorp Genetics (formerly Invitae), Labcorp
Classification: Uncertain significance for Walker-Warburg congenital muscular dystrophy. Last evaluated: 2018-01-01. Review status: criteria provided, single submitter. Criteria: Invitae Variant Classification Sherloc (09022015). Collection method: clinical testing. Allele origin: germline.
Comment: This variant has not been reported in the literature in individuals with FKRP-related disease. This variant is not present in population databases (ExAC no frequency). This sequence change replaces serine with phenylalanine at codon 69 of the FKRP protein (p.Ser69Phe). The serine residue is highly conserved and there is a large physicochemical difference between serine and phenylalanine. Algorithms developed to predict the effect of missense changes on protein structure and function do not agree on the potential impact of this missense change (SIFT: "Deleterious"; PolyPhen-2: "Possibly Damaging"; Align-GVGD: "Class C15"). In summary, the available evidence is currently insufficient to determine the role of this variant in disease. Therefore, it has been classified as a Variant of Uncertain Significance.

Genetic Services Laboratory, University of Chicago
Classification: Uncertain significance. Last evaluated: 2017-11-07. Review status: criteria provided, single submitter. Criteria: ACMG Guidelines, 2015. Collection method: clinical testing. Allele origin: germline. Affected: no.